The following is an entry in ClinVar:

NM_002397.4(MEF2C):c.-493_-491delCTC

Gene: MEF2C (myocyte enhancer factor 2C; minus strand). Cytogenetic location: 5q14.3.
Variant type: Microsatellite.
Coding change: c.-493_-491delCTC on transcript NM_002397.4; 493 bases upstream of the start codon through 491 bases upstream of the start codon, 3 bases deleted (CTC).
Molecular consequence: intron variant (on NM_001364329.2).
Genome position (GRCh38, 1-based): chr5:88,883,303-88,883,305, GAG deleted on the plus strand (CTC on the coding strand, the reverse complement: MEF2C is on the minus strand); deleting any 3 consecutive bases within chr5:88,883,303-88,883,319 gives the same sequence; the c. name uses the placement nearest the transcript's 3' end. VCF-style (leftmost placement, unchanged base first): chr5-88883302-AGAG-A. GRCh37 (hg19) VCF-style: chr5-88179119-AGAG-A.
Other names: c.-140+4185CTC[4] (NM_001364329.2, NM_001364334.2); c.-143+4185CTC[4] (NM_001364330.2, NM_001131005.2, NM_001193347.1); c.-143+1172CTC[4] (NM_001364345.2, NM_001364335.2).
Identifiers: ClinVar variation 3056591 (VCV003056591.2), dbSNP rs1380356639, ClinGen allele CA561151543.
Genomic context (GRCh38, chr5:88,883,302, plus strand): 5'-GAGCGCGCGCGAGGGGGGGGGCGCGGGGCCGCGCATTCGCGCGCGCCGAGGCCGCTCGGA[AGAG>A]GAGGAGGAGGAGGAAGAAGGAGGAGGAAGAGAAGGAGGAGGAGGAGGAGGAGGAGAAAGT-3'

ClinVar aggregate classification (germline): Likely benign (0 of 4 stars; one submission).

Conditions:
MEF2C-related disorder. Also called: MEF2C-related condition; MEF2C-related disorders. Identifiers: MedGen CN381096.

Submission:

PreventionGenetics, part of Exact Sciences
Classification: Likely benign for MEF2C-related condition. Last evaluated: 2023-10-13. Review status: no assertion criteria provided. Collection method: clinical testing. Allele origin: germline.
Comment: This variant is classified as likely benign based on ACMG/AMP sequence variant interpretation guidelines (Richards et al. 2015 PMID: 25741868, with internal and published modifications).